The following is an entry in ClinVar:

NM_000046.5(ARSB):c.509T>G (p.Leu170Arg)

Gene: ARSB (arylsulfatase B; minus strand). Cytogenetic location: 5q14.1.
Variant type: single nucleotide variant.
Coding change: c.509T>G on transcript NM_000046.5 (MANE Select); coding-DNA position 509, T replaced by G.
Protein change: p.Leu170Arg; replaces leucine 170 with arginine.
Molecular consequence: missense variant.
Genome position (GRCh38, 1-based): chr5:78,964,597, A>C on the plus strand (T>G on the coding strand, the complement: ARSB is on the minus strand). VCF-style: chr5-78964597-A-C. GRCh37 (hg19) VCF-style: chr5-78260420-A-C.
Other names: c.509T>G, p.Leu170Arg (NM_198709.3); short protein forms L170R.
Identifiers: ClinVar variation 559793 (VCV000559793.1), dbSNP rs1484763838, ClinGen allele CA360193456.
Genomic context (GRCh38, chr5:78,964,597, plus strand): 5'-GTGACATTCAGAGCGTCAATTAATGTACAGCGTTCATGGGAATAATAATCTTCACTACCC[A>C]GGAGATATCCTGCAAGAATGGAAGACGAAAATAGTCAGCATAGCATAAAACTTGTTAAAC-3'
Protein context (NP_000037.2, residues 160-180): RGFDTYFGYL[Leu170Arg]GSEDYYSHER

ClinVar aggregate classification (germline): Likely pathogenic (1 of 4 stars; one submission).

Conditions:
Mucopolysaccharidosis type 6 (MPS6). Also called: N-ACETYLGALACTOSAMINE-4-SULFATASE DEFICIENCY; MPS VI; MPS 6; Maroteaux Lamy syndrome; ARSB DEFICIENCY; ARYLSULFATASE B DEFICIENCY. Identifiers: Orphanet 583, MedGen C0026709, MONDO:0009661, OMIM 253200.

Submission:

Laboratory of Diagnosis and Therapy of Lysosomal Disorders, University of Padova
Classification: Likely pathogenic for Mucopolysaccharidosis type 6. Last evaluated: 2018-01-01. Review status: criteria provided, single submitter. Criteria: ACMG Guidelines, 2015. Collection method: curation. Allele origin: germline. Affected: yes.
Comment: In vitro functional studies supportive of a damaging effect on the gene product (low to no ARSB activity in homozygotes; PS3); Absent from GnomAD (PM2)

Literature cited by the submitters: PubMed 16949067; PubMed 30118150.